The following is an entry in ClinVar:

ClinVar aggregate classification (germline): Pathogenic/Likely pathogenic. Review status: criteria provided, multiple submitters, no conflicts (2 of 4 stars). 3 submissions from 3 submitters: Pathogenic (1); Likely pathogenic (1). 1 of the submissions does not count toward it. Last evaluated 2026-06-09.

Conditions:
Wolfram syndrome. Also called: Diabetes mellitus AND insipidus with optic atrophy AND deafness; DIDMOAD (Diabetes Insipidus, Diabetes Mellitus, Optic Atrophy, and Deafness). Identifiers: Orphanet 3463, MedGen C0043207, MONDO:0018105.

Submissions (3):

GeneDx
Classification: Likely pathogenic. Last evaluated: 2026-06-09. Review status: criteria provided, single submitter. Criteria: GeneDx Variant Classification Process June 2021. Collection method: clinical testing. Allele origin: germline.
Comment: In-frame deletion of 5 of amino acids in a non-repeat region predicted to critically alter the protein; Not observed at significant frequency in large population cohorts (gnomAD); In silico analysis supports a deleterious effect on protein structure/function; This variant is associated with the following publications: (PMID: 21968327, 28432734)

Labcorp Genetics (formerly Invitae), Labcorp
Classification: Pathogenic. Last evaluated: 2022-07-14. Review status: criteria provided, single submitter. Criteria: Invitae Variant Classification Sherloc (09022015). Collection method: clinical testing. Allele origin: germline.
Comment: For these reasons, this variant has been classified as Pathogenic. This variant disrupts a region of the WFS1 protein in which other variant(s) (p.Leu511Pro) have been determined to be pathogenic (PMID: 21968327). This suggests that this is a clinically significant region of the protein, and that variants that disrupt it are likely to be disease-causing. This variant has been observed in individual(s) with autosomal recessive Wolfram syndrome (PMID: 28432734). This variant is present in population databases (rs770006924, gnomAD 0.002%). This variant, c.1529_1543del, results in the deletion of 5 amino acid(s) of the WFS1 protein (p.Tyr510_Leu514del), but otherwise preserves the integrity of the reading frame.

Exeter Genomics Laboratory, Royal Devon University Healthcare NHS Foundation Trust
Classification: Likely pathogenic for Wolfram Syndrome. Last evaluated: 2025-06-06. Review status: no assertion criteria provided. Collection method: clinical testing. Allele origin: germline. Affected: yes. Not counted in ClinVar's aggregate classification.

Literature cited by the submitters: PubMed 21968327 (cited by Labcorp Genetics (formerly Invitae), Labcorp); PubMed 28432734 (cited by Labcorp Genetics (formerly Invitae), Labcorp).

NM_006005.3(WFS1):c.1529_1543del (p.Tyr510_Leu514del)

Gene: WFS1 (wolframin ER transmembrane glycoprotein; plus strand). Cytogenetic location: 4p16.1.
Variant type: Deletion.
Coding change: c.1529_1543del on transcript NM_006005.3 (MANE Select); coding-DNA positions 1529 to 1543, 15 bases deleted (ACCTGCTCTATCTCT).
Protein change: p.Tyr510_Leu514del.
Molecular consequence: inframe deletion.
Genome position (GRCh38, 1-based): chr4:6,301,324-6,301,338, ACCTGCTCTATCTCT deleted; deleting any 15 consecutive bases within chr4:6,301,321-6,301,338 gives the same sequence; the c. name uses the placement nearest the transcript's 3' end. VCF-style (leftmost placement, unchanged base first): chr4-6301320-GTCTACCTGCTCTATC-G. GRCh37 (hg19) VCF-style: chr4-6303047-GTCTACCTGCTCTATC-G.
Other names: c.1529_1543del, p.Tyr510_Leu514del (NM_001145853.1).
Identifiers: ClinVar variation 2203521 (VCV002203521.7), dbSNP rs770006924, ClinGen allele CA2839390.